The following is an entry in ClinVar:

NM_005228.5(EGFR):c.499A>G (p.Ile167Val)

Gene: EGFR (epidermal growth factor receptor; plus strand). Cytogenetic location: 7p11.2.
Variant type: single nucleotide variant.
Coding change: c.499A>G on transcript NM_005228.5 (MANE Select); coding-DNA position 499, A replaced by G.
Protein change: p.Ile167Val; replaces isoleucine 167 with valine.
Molecular consequence: missense variant. On other transcripts: intron variant (3).
Genome position (GRCh38, 1-based): chr7:55,146,680, A>G. VCF-style: chr7-55146680-A-G. GRCh37 (hg19) VCF-style: chr7-55214373-A-G.
Other names: c.499A>G, p.Ile167Val (NM_001346898.2, NM_201282.2, NM_201283.2 and 1 more transcripts); c.340A>G, p.Ile114Val (NM_001346900.2); c.424+3192A>G (NM_001346899.2, NM_001346897.2); c.89-9150A>G (NM_001346941.2); short protein forms I114V, I167V.
Identifiers: ClinVar variation 3507183 (VCV003507183.1).

ClinVar aggregate classification (germline): Uncertain significance (1 of 4 stars; one submission).

Conditions:
Hereditary cancer-predisposing syndrome. Also called: Tumor predisposition; Neoplastic Syndromes, Hereditary; Hereditary Cancer Syndrome; Hereditary neoplastic syndrome. Identifiers: Orphanet 140162, MedGen C0027672, MeSH D009386, MONDO:0015356.

Submission:

Ambry Genetics
Classification: Uncertain significance for Hereditary cancer-predisposing syndrome. Last evaluated: 2024-12-08. Review status: criteria provided, single submitter. Criteria: Ambry Variant Classification Scheme 2023. Collection method: clinical testing. Allele origin: germline.
Comment: The p.I167V variant (also known as c.499A>G), located in coding exon 4 of the EGFR gene, results from an A to G substitution at nucleotide position 499. The isoleucine at codon 167 is replaced by valine, an amino acid with highly similar properties. This amino acid position is conserved. In addition, the in silico prediction for this alteration is inconclusive. Based on the available evidence, the clinical significance of this variant remains unclear.